The following is an entry in ClinVar:

NM_002519.3(NPAT):c.2165A>G (p.Asp722Gly)

Gene: NPAT (nuclear protein, coactivator of histone transcription; minus strand). Cytogenetic location: 11q22.3.
Variant type: single nucleotide variant.
Coding change: c.2165A>G on transcript NM_002519.3 (MANE Select); coding-DNA position 2165, A replaced by G.
Protein change: p.Asp722Gly; replaces aspartic acid 722 with glycine.
Molecular consequence: missense variant.
Genome position (GRCh38, 1-based): chr11:108,172,819, T>C on the plus strand (A>G on the coding strand, the complement: NPAT is on the minus strand). VCF-style: chr11-108172819-T-C. GRCh37 (hg19) VCF-style: chr11-108043546-T-C.
Other names: c.2165A>G, p.Asp722Gly (NM_001321307.1); short protein forms D722G.
Identifiers: ClinVar variation 3300692 (VCV003300692.1).

ClinVar aggregate classification (germline): Uncertain significance (1 of 4 stars; one submission).

Submission:

Ambry Genetics
Classification: Uncertain significance. Last evaluated: 2024-05-15. Review status: criteria provided, single submitter. Criteria: Ambry Variant Classification Scheme 2023. Collection method: clinical testing. Allele origin: germline.
Comment: The p.D722G variant (also known as c.2165A>G), located in coding exon 13 of the NPAT gene, results from an A to G substitution at nucleotide position 2165. The aspartic acid at codon 722 is replaced by glycine, an amino acid with similar properties. This amino acid position is conserved. In addition, this alteration is predicted to be tolerated by in silico analysis. Based on the available evidence, the clinical significance of this variant remains unclear.